The following is an entry in ClinVar:

NM_001040142.2(SCN2A):c.4722C>A (p.Phe1574Leu)

Gene: SCN2A (sodium voltage-gated channel alpha subunit 2; plus strand). Cytogenetic location: 2q24.3.
Variant type: single nucleotide variant.
Coding change: c.4722C>A on transcript NM_001040142.2 (MANE Select); coding-DNA position 4722, C replaced by A.
Protein change: p.Phe1574Leu; replaces phenylalanine 1574 with leucine.
Molecular consequence: missense variant.
Genome position (GRCh38, 1-based): chr2:165,386,916, C>A. VCF-style: chr2-165386916-C-A. GRCh37 (hg19) VCF-style: chr2-166243426-C-A.
Other names: c.4722C>A, p.Phe1574Leu (NM_001040143.2, NM_001371246.1, NM_001371247.1 and 1 more transcripts); short protein forms F1574L.
Identifiers: ClinVar variation 626008 (VCV000626008.12), dbSNP rs1558884200, ClinGen allele CA349036625.

ClinVar aggregate classification (germline): Uncertain significance. Review status: criteria provided, multiple submitters, no conflicts (2 of 4 stars). 3 submissions from 2 submitters: Uncertain significance (3). Last evaluated 2024-02-17.

Conditions:
Developmental and epileptic encephalopathy, 11 (DEE11). Also called: Early infantile epileptic encephalopathy 11. Identifiers: Orphanet 1934, MedGen C3150987, MONDO:0013388, OMIM 613721.
Seizures, benign familial infantile, 3 (BFIS3). Also called: Familial neonatal seizures; CONVULSIONS, BENIGN FAMILIAL INFANTILE, 3. Identifiers: Orphanet 140927, Orphanet 306, MedGen C1843140, MONDO:0011904, OMIM 607745.
Episodic ataxia, type 9. Identifiers: MedGen C5394520, MONDO:0030064, OMIM 618924.

Submissions (3):

Labcorp Genetics (formerly Invitae), Labcorp
Classification: Uncertain significance for Seizures, benign familial infantile, 3; Developmental and epileptic encephalopathy, 11. Last evaluated: 2024-02-17. Review status: criteria provided, single submitter. Criteria: Invitae Variant Classification Sherloc (09022015). Collection method: clinical testing. Allele origin: germline.
Comment: This sequence change replaces phenylalanine, which is neutral and non-polar, with leucine, which is neutral and non-polar, at codon 1574 of the SCN2A protein (p.Phe1574Leu). This variant is not present in population databases (gnomAD no frequency). This variant has not been reported in the literature in individuals affected with SCN2A-related conditions. ClinVar contains an entry for this variant (Variation ID: 626008). Advanced modeling of protein sequence and biophysical properties (such as structural, functional, and spatial information, amino acid conservation, physicochemical variation, residue mobility, and thermodynamic stability) performed at Invitae indicates that this missense variant is expected to disrupt SCN2A protein function with a positive predictive value of 95%. In summary, the available evidence is currently insufficient to determine the role of this variant in disease. Therefore, it has been classified as a Variant of Uncertain Significance.

Center for Genomics, Ann and Robert H. Lurie Children's Hospital of Chicago
Classification: Uncertain significance for Developmental and epileptic encephalopathy, 11; Seizures, benign familial infantile, 3. Last evaluated: 2018-11-28. Review status: criteria provided, single submitter. Criteria: ACMG Guidelines, 2015. Collection method: clinical testing. Allele origin: germline.
Comment: SCN2A NM_021007.2 exon 26 p.Phe1574Leu (c.4722C>A): This variant has not been reported in the literature and is not present in large control databases. Evolutionary conservation and computational predictive tools suggest that this variant may impact the protein. In summary, data on this variant is insufficient for disease classification. Therefore, the clinical significance of this variant is uncertain.

Center for Genomics, Ann and Robert H. Lurie Children's Hospital of Chicago
Classification: Uncertain significance for Seizures, benign familial infantile, 3; Developmental and epileptic encephalopathy, 11; Episodic ataxia, type 9. Review status: criteria provided, single submitter. Criteria: ACMG Guidelines, 2015. Collection method: clinical testing. Allele origin: germline.
Comment: the same text as in the submission from Center for Genomics, Ann and Robert H. Lurie Children's Hospital of Chicago above.